The following is an entry in ClinVar:

ClinVar aggregate classification (germline): Pathogenic/Likely pathogenic. Review status: criteria provided, multiple submitters, no conflicts (2 of 4 stars). 3 submissions from 3 submitters: Pathogenic (1); Likely pathogenic (1). 1 of the submissions does not count toward it. Last evaluated 2025-03-14.

Conditions:
Intrauterine growth retardation, metaphyseal dysplasia, adrenal hypoplasia congenita, genital anomalies, and immunodeficiency. Also called: IMAGEI SYNDROME. Identifiers: MedGen C5193036, MONDO:0032684, OMIM 618336.
Facial dysmorphism-immunodeficiency-livedo-short stature syndrome. Also called: Facial dysmorphism, immunodeficiency, livedo, and short stature; FILS syndrome. Identifiers: Orphanet 352712, MedGen C3554576, MONDO:0014058, OMIM 615139.
Colorectal cancer, susceptibility to, 12 (CRCS12). Also called: COLORECTAL CANCER, SUSCEPTIBILITY TO, ON CHROMOSOME 12q24. Identifiers: Orphanet 220460, MedGen C3554460, MONDO:0014038, OMIM 615083.

Submissions (3):

First Genomix Gene Laboratory, Genetic Diagnostics Department
Classification: Likely pathogenic for Facial dysmorphism-immunodeficiency-livedo-short stature syndrome; Intrauterine growth retardation, metaphyseal dysplasia, adrenal hypoplasia congenita, genital anomalies, and immunodeficiency. Last evaluated: 2025-03-14. Review status: criteria provided, single submitter. Criteria: ACMG Guidelines, 2015. Collection method: clinical testing. Allele origin: germline. Inheritance: Autosomal recessive inheritance. Affected: no. Observed: 1 variant allele.

Labcorp Genetics (formerly Invitae), Labcorp
Classification: Pathogenic. Last evaluated: 2023-02-10. Review status: criteria provided, single submitter. Criteria: Invitae Variant Classification Sherloc (09022015). Collection method: clinical testing. Allele origin: germline.
Comment: For these reasons, this variant has been classified as Pathogenic. ClinVar contains an entry for this variant (Variation ID: 587359). This premature translational stop signal has been observed in individual(s) with clinical features of attenuated adenomatous polyposis (PMID: 31285513). This variant is present in population databases (rs761329565, gnomAD 0.006%). This sequence change creates a premature translational stop signal (p.Phe48Leufs*6) in the POLE gene. It is expected to result in an absent or disrupted protein product. Loss-of-function variants in POLE are known to be pathogenic (PMID: 23230001, 25948378, 30503519).

Molecular Oncology Laboratory, Hospital Clínico San Carlos
Classification: Likely pathogenic for Colorectal cancer, susceptibility to, 12. Last evaluated: 2018-06-01. Review status: no assertion criteria provided. Criteria: ACMG Guidelines, 2015. Collection method: clinical testing. Allele origin: germline. Inheritance: Autosomal unknown. Affected: yes. Not counted in ClinVar's aggregate classification.

Literature cited by the submitters: PubMed 31285513 (cited by Labcorp Genetics (formerly Invitae), Labcorp); PubMed 23230001 (cited by Labcorp Genetics (formerly Invitae), Labcorp); PubMed 25948378 (cited by Labcorp Genetics (formerly Invitae), Labcorp); PubMed 30503519 (cited by Labcorp Genetics (formerly Invitae), Labcorp).

NM_006231.4(POLE):c.141del (p.Phe48fs)

Gene: POLE (DNA polymerase epsilon, catalytic subunit; minus strand). Cytogenetic location: 12q24.33.
Variant type: Deletion.
Coding change: c.141del on transcript NM_006231.4 (MANE Select); coding-DNA position 141, one base deleted (G; older notation c.141delG).
Protein change: p.Phe48fs; shifts the reading frame from phenylalanine 48.
Molecular consequence: frameshift variant.
Genome position (GRCh38, 1-based): chr12:132,681,201, C deleted on the plus strand (G on the coding strand, the reverse complement: POLE is on the minus strand); the first of 2 consecutive C bases (chr12:132,681,201-132,681,202); deleting either gives the same sequence. VCF-style (leftmost placement, unchanged base first): chr12-132681200-AC-A. GRCh37 (hg19) VCF-style: chr12-133257786-AC-A.
Other names: c.141delG (NM_006231.3, NM_006231.4); short protein forms F48fs.
Identifiers: ClinVar variation 587359 (VCV000587359.6), dbSNP rs761329565, ClinGen allele CA6894432.
Genomic context (GRCh38, chr12:132,681,200, plus strand): 5'-GATGCATGTTAATGAGCCAGCCTGTCTTCTCACCAGGCTCCTTCAGCCGCTCAAAACCAA[AC>A]CGCAAATCCATCTTATCCGTCCACTGACTCCGTTCCAGGCGCTTGAGTGCCGAAACTGAG-3'